The following is an entry in ClinVar:

NM_000238.4(KCNH2):c.957C>T (p.Thr319=)

Gene: KCNH2 (potassium voltage-gated channel subfamily H member 2; minus strand). Cytogenetic location: 7q36.1.
Variant type: single nucleotide variant.
Coding change: c.957C>T on transcript NM_000238.4 (MANE Select); coding-DNA position 957, C replaced by T.
Protein change: p.Thr319=; no amino-acid change (threonine 319 retained).
Molecular consequence: synonymous variant. On other transcripts: non-coding transcript variant (1).
Genome position (GRCh38, 1-based): chr7:150,957,462, G>A on the plus strand (C>T on the coding strand, the complement: KCNH2 is on the minus strand). VCF-style: chr7-150957462-G-A. GRCh37 (hg19) VCF-style: chr7-150654550-G-A.
Other names: c.669C>T, p.Thr223= (NM_001406753.1, NM_001406756.1); c.780C>T, p.Thr260= (NM_001406755.1); c.657C>T, p.Thr219= (NM_001406757.1); c.957C>T, p.Thr319= (NM_172056.3).
Identifiers: ClinVar variation 629582 (VCV000629582.19), dbSNP rs759130424, ClinGen allele CA041142.
Genomic context (GRCh38, chr7:150,957,462, plus strand): 5'-GTTGAGGGTGATTTGGGGAATCTTGCTAATGGTGCGGTAGCGCACGAGGTCGGAGTCCGA[G>A]GTGGAGTTGAGCAAGCCGCTGCGCAGTGGGTGCATGGCCCCTAGGTGGAGAGGCAGCGTG-3'
Protein context (NP_000229.1, residues 309-329): HPLRSGLLNS[Thr319=]SDSDLVRYRT

ClinVar aggregate classification (germline): Likely benign. Review status: criteria provided, multiple submitters, no conflicts (2 of 4 stars). 5 submissions from 5 submitters: Likely benign (5). Last evaluated 2026-09-21.

Conditions:
Cardiac arrhythmia. Also called: Arrhythmia; Cardiac rhythm disease. Identifiers: MedGen C0003811, MONDO:0007263, HP:0011675.
Long QT syndrome (LQTS). Identifiers: MedGen C0023976, MeSH D008133, MONDO:0002442. Disease mechanism: loss of function. Inheritance: Various modes of inheritance.
Cardiovascular phenotype. Identifiers: MedGen CN230736.

Allele frequency attached by ClinVar (database versions not stated): TOPMed 0.00001; gnomAD 0.00003 and 0.00001; ExAC 0.00007; gnomAD exomes 0.00008 and 0.00004.
gnomAD v4.1: 63 of 1,614,014 alleles (0.0039%); highest among the groups gnomAD compares: East Asian, 0.14%; 1 homozygote.

Submissions (5):

Molecular Diagnostic Laboratory for Inherited Cardiovascular Disease, Montreal Heart Institute
Classification: Likely benign. Last evaluated: 2026-09-21. Review status: criteria provided, single submitter. Criteria: ACMG Guidelines, 2015. Collection method: clinical testing. Allele origin: germline. Affected: no.
Comment: BS1;BP1

Labcorp Genetics (formerly Invitae), Labcorp
Classification: Likely benign for Long QT syndrome. Last evaluated: 2025-12-02. Review status: criteria provided, single submitter. Criteria: Invitae Variant Classification Sherloc (09022015). Collection method: clinical testing. Allele origin: germline.

All of Us Research Program, National Institutes of Health
Classification: Likely benign for Long QT syndrome. Last evaluated: 2024-01-08. Review status: criteria provided, single submitter. Criteria: ACMG Guidelines, 2015. Collection method: clinical testing. Allele origin: germline. Inheritance: Autosomal dominant inheritance. Observed: 7 variant alleles, 7 heterozygotes.
Comment: This study involves interpretation of variants in research participants for the purpose of population health screening. Participant phenotype was not available at the time of variant classification. Additional details can be found in publication PMID: 35346344, PMCID: PMC8962531

Ambry Genetics
Classification: Likely benign for Cardiovascular phenotype. Last evaluated: 2020-09-16. Review status: criteria provided, single submitter. Criteria: Ambry Variant Classification Scheme 2023. Collection method: clinical testing. Allele origin: germline.

Color Diagnostics, LLC DBA Color Health
Classification: Likely benign for Arrhythmia. Last evaluated: 2018-10-16. Review status: criteria provided, single submitter. Criteria: ACMG Guidelines, 2015. Collection method: clinical testing. Allele origin: germline.